The following is an entry in ClinVar:

ClinVar aggregate classification (germline): Uncertain significance (1 of 4 stars; one submission).

Conditions:
Combined oxidative phosphorylation defect type 27. Also called: Combined oxidative phosphorylation deficiency 27. Identifiers: Orphanet 477774, MedGen C5567608, MONDO:0014728, OMIM 616672.

Allele frequency attached by ClinVar (database versions not stated): gnomAD 0.00001; gnomAD exomes 0.00001 and 0.00004; TOPMed 0.00002; ExAC 0.00005.
gnomAD v4.1: 16 of 1,613,856 alleles (0.00099%); highest among the groups gnomAD compares: African/African-American, 0.0013%; no homozygotes.

Submission:

Labcorp Genetics (formerly Invitae), Labcorp
Classification: Uncertain significance for Combined oxidative phosphorylation defect type 27. Last evaluated: 2023-11-27. Review status: criteria provided, single submitter. Criteria: Invitae Variant Classification Sherloc (09022015). Collection method: clinical testing. Allele origin: germline.
Comment: This sequence change replaces proline, which is neutral and non-polar, with threonine, which is neutral and polar, at codon 441 of the CARS2 protein (p.Pro441Thr). This variant is present in population databases (rs777089715, gnomAD 0.008%). This variant has not been reported in the literature in individuals affected with CARS2-related conditions. ClinVar contains an entry for this variant (Variation ID: 1004823). Algorithms developed to predict the effect of missense changes on protein structure and function output the following: SIFT: "Not Available"; PolyPhen-2: "Benign"; Align-GVGD: "Not Available". The threonine amino acid residue is found in multiple mammalian species, which suggests that this missense change does not adversely affect protein function. In summary, the available evidence is currently insufficient to determine the role of this variant in disease. Therefore, it has been classified as a Variant of Uncertain Significance.

NM_024537.4(CARS2):c.1321C>A (p.Pro441Thr)

Gene: CARS2 (cysteinyl-tRNA synthetase 2, mitochondrial; minus strand). Cytogenetic location: 13q34.
Variant type: single nucleotide variant.
Coding change: c.1321C>A on transcript NM_024537.4 (MANE Select); coding-DNA position 1321, C replaced by A.
Protein change: p.Pro441Thr; replaces proline 441 with threonine.
Molecular consequence: missense variant. On other transcripts: non-coding transcript variant (2).
Genome position (GRCh38, 1-based): chr13:110,644,480, G>T on the plus strand (C>A on the coding strand, the complement: CARS2 is on the minus strand). VCF-style: chr13-110644480-G-T. GRCh37 (hg19) VCF-style: chr13-111296827-G-T.
Other names: c.535C>A, p.Pro179Thr (NM_001352252.2); short protein forms P179T, P441T.
Identifiers: ClinVar variation 1004823 (VCV001004823.6), dbSNP rs777089715, ClinGen allele CA7051812.